The following is an entry in ClinVar:

ClinVar aggregate classification (germline): Uncertain significance. Review status: criteria provided, multiple submitters, no conflicts (2 of 4 stars). 4 submissions from 4 submitters: Uncertain significance (4). Last evaluated 2026-02-01.

Conditions:
Familial thoracic aortic aneurysm and aortic dissection (TAAD). Also called: Thoracic aortic aneurysms and dissections. Identifiers: Orphanet 91387, MedGen C4707243, MONDO:0019625.
Marfan syndrome (MFS). Also called: Marfan syndrome, classic; Marfan syndrome type 1; Marfan's syndrome; FBN1-Related Marfan Syndrome; MARFAN SYNDROME, TYPE I. Identifiers: Orphanet 284963, Orphanet 558, MedGen C0024796, MONDO:0007947, OMIM 154700.
Weill-Marchesani syndrome 2, dominant. Also called: FBN1-Related Weill-Marchesani Syndrome; Weill-Marchesani Syndrome, Autosomal Dominant. Identifiers: Orphanet 2084, MedGen C1869115, MONDO:0012013, OMIM 608328.
Progeroid and marfanoid aspect-lipodystrophy syndrome. Also called: MARFANOID-PROGEROID SYNDROME; MARFAN-PROGEROID-LIPODYSTROPHY SYNDROME; Marfan lipodystrophy syndrome; MARFANOID-PROGEROID-LIPODYSTROPHY SYNDROME. Identifiers: Orphanet 300382, MedGen C4310796, MONDO:0014831, OMIM 616914.
Acromicric dysplasia (ACMICD). Also called: Acromicric skeletal dysplasia. Identifiers: Orphanet 969, MedGen C0265287, MONDO:0007055, OMIM 102370.
Ectopia lentis 1, isolated, autosomal dominant (ECTOL1). Identifiers: Orphanet 1885, MedGen C3541518, MONDO:0007514, OMIM 129600.
Geleophysic dysplasia 2 (GPHYSD2). Identifiers: Orphanet 2623, MedGen C3280054, MONDO:0013612, OMIM 614185.
MASS syndrome (OCTD). Also called: OVERLAP CONNECTIVE TISSUE DISEASE; MASS PHENOTYPE. Identifiers: MedGen C1858556, MONDO:0011431, OMIM 604308.
Stiff skin syndrome (SSKS). Identifiers: Orphanet 2833, MedGen C1861456, MONDO:0008492, OMIM 184900.

Allele frequency attached by ClinVar (database versions not stated): gnomAD exomes below 0.00001.
gnomAD v4.1: 5 of 1,614,166 alleles (0.00031%); highest among the groups gnomAD compares: Non-Finnish European, 0.00042%; no homozygotes.

Submissions (4):

Labcorp Genetics (formerly Invitae), Labcorp
Classification: Uncertain significance for Marfan syndrome; Familial thoracic aortic aneurysm and aortic dissection. Last evaluated: 2026-02-01. Review status: criteria provided, single submitter. Criteria: Invitae Variant Classification Sherloc (09022015). Collection method: clinical testing. Allele origin: germline.
Comment: This sequence change replaces asparagine, which is neutral and polar, with histidine, which is basic and polar, at codon 2789 of the FBN1 protein (p.Asn2789His). This variant is not present in population databases (gnomAD no frequency). This variant has not been reported in the literature in individuals affected with FBN1-related conditions. ClinVar contains an entry for this variant (Variation ID: 927358). Invitae Evidence Modeling of protein sequence and biophysical properties (such as structural, functional, and spatial information, amino acid conservation, physicochemical variation, residue mobility, and thermodynamic stability) indicates that this missense variant is not expected to disrupt FBN1 protein function with a negative predictive value of 95%. In summary, the available evidence is currently insufficient to determine the role of this variant in disease. Therefore, it has been classified as a Variant of Uncertain Significance.

Fulgent Genetics
Classification: Uncertain significance for Acromicric dysplasia; Ectopia lentis 1, isolated, autosomal dominant; Marfan syndrome; Stiff skin syndrome; MASS syndrome; Weill-Marchesani syndrome 2, dominant; Geleophysic dysplasia 2; Progeroid and marfanoid aspect-lipodystrophy syndrome. Last evaluated: 2024-04-04. Review status: criteria provided, single submitter. Criteria: ACMG Guidelines, 2015. Collection method: clinical testing. Allele origin: germline.

Color Diagnostics, LLC DBA Color Health
Classification: Uncertain significance for Familial thoracic aortic aneurysm and aortic dissection. Last evaluated: 2024-03-07. Review status: criteria provided, single submitter. Criteria: ACMG Guidelines, 2015. Collection method: clinical testing. Allele origin: germline.
Comment: This missense variant replaces asparagine with histidine at codon 2789 of the FBN1 protein. Computational prediction suggests that this variant may not impact protein structure and function (internally defined REVEL score threshold <= 0.5, PMID: 27666373). To our knowledge, functional studies have not been reported for this variant. This variant has not been reported in individuals affected with FBN1-related disorders in the literature. This variant has not been identified in the general population by the Genome Aggregation Database (gnomAD). The available evidence is insufficient to determine the role of this variant in disease conclusively. Therefore, this variant is classified as a Variant of Uncertain Significance.

All of Us Research Program, National Institutes of Health
Classification: Uncertain significance for Marfan syndrome. Last evaluated: 2023-11-30. Review status: criteria provided, single submitter. Criteria: ACMG Guidelines, 2015. Collection method: clinical testing. Allele origin: germline. Inheritance: Autosomal dominant inheritance. Observed: 2 variant alleles, 2 heterozygotes.
Comment: This missense variant replaces asparagine with histidine at codon 2789 of the FBN1 protein. Computational prediction tool suggests that this variant may not impact protein structure and function (internally defined REVEL score threshold <=0.5, PMID: 27666373). Splice site prediction tools suggest that this variant may not impact RNA splicing. To our knowledge, functional studies have not been performed for this variant. This variant has not been reported in individuals affected with cardiovascular disorders in the literature. This variant has not been identified in the general population by the Genome Aggregation Database (gnomAD). The available evidence is insufficient to determine the role of this variant in disease conclusively. Therefore, this variant is classified as a Variant of Uncertain Significance.

This study involves interpretation of variants in research participants for the purpose of population health screening. Participant phenotype was not available at the time of variant classification. Additional details can be found in publication PMID: 35346344, PMCID: PMC8962531

NM_000138.5(FBN1):c.8365A>C (p.Asn2789His)

Gene: FBN1 (fibrillin 1; minus strand). Cytogenetic location: 15q21.1.
Variant type: single nucleotide variant.
Coding change: c.8365A>C on transcript NM_000138.5 (MANE Select); coding-DNA position 8365, A replaced by C.
Protein change: p.Asn2789His; replaces asparagine 2789 with histidine.
Molecular consequence: missense variant.
Genome position (GRCh38, 1-based): chr15:48,411,241, T>G on the plus strand (A>C on the coding strand, the complement: FBN1 is on the minus strand). VCF-style: chr15-48411241-T-G. GRCh37 (hg19) VCF-style: chr15-48703438-T-G.
Other names: short protein forms N2789H.
Identifiers: ClinVar variation 927358 (VCV000927358.8), dbSNP rs2042859991, ClinGen allele CA392319373.